The following is an entry in ClinVar:

ClinVar aggregate classification (germline): Uncertain significance. Review status: criteria provided, multiple submitters, no conflicts (2 of 4 stars). 2 submissions from 2 submitters: Uncertain significance (2). Last evaluated 2024-02-29.

Conditions:
Primary pulmonary hypertension. Also called: Idiopathic pulmonary hypertension. Identifiers: MedGen C0152171.
Pulmonary hypertension, primary, 1 (PPH1). Also called: Pulmonary hypertension, familial primary, 1, with or without HHT. Identifiers: Orphanet 422, MedGen C4552070, MONDO:0024533, OMIM 178600.
Pulmonary venoocclusive disease 1 (PVOD1). Also called: Pulmonary venoocclusive disease 1, autosomal dominant. Identifiers: Orphanet 31837, MedGen C3887658, MONDO:0020713, OMIM 265450.

Allele frequency attached by ClinVar (database versions not stated): TOPMed 0.00001.
gnomAD v4.1: 4 of 1,595,150 alleles (0.00025%); highest among the groups gnomAD compares: Admixed American, 0.0067%; no homozygotes.

Submissions (2):

Fulgent Genetics
Classification: Uncertain significance for Pulmonary hypertension, primary, 1; Pulmonary venoocclusive disease 1. Last evaluated: 2024-02-29. Review status: criteria provided, single submitter. Criteria: ACMG Guidelines, 2015. Collection method: clinical testing. Allele origin: germline.

Labcorp Genetics (formerly Invitae), Labcorp
Classification: Uncertain significance for Primary pulmonary hypertension. Last evaluated: 2020-01-23. Review status: criteria provided, single submitter. Criteria: Invitae Variant Classification Sherloc (09022015). Collection method: clinical testing. Allele origin: germline.
Comment: This variant is not present in population databases (ExAC no frequency). This sequence change falls in intron 4 of the BMPR2 gene. It does not directly change the encoded amino acid sequence of the BMPR2 protein, but it affects a nucleotide within the consensus splice site of the intron. This variant has not been reported in the literature in individuals with BMPR2-related conditions. In summary, the available evidence is currently insufficient to determine the role of this variant in disease. Therefore, it has been classified as a Variant of Uncertain Significance. Nucleotide substitutions within the consensus splice site are a relatively common cause of aberrant splicing (PMID: 17576681, 9536098). Algorithms developed to predict the effect of sequence changes on RNA splicing suggest that this variant may disrupt the consensus splice site, but this prediction has not been confirmed by published transcriptional studies.

Literature cited by the submitters: PubMed 17576681 (cited by Labcorp Genetics (formerly Invitae), Labcorp); PubMed 9536098 (cited by Labcorp Genetics (formerly Invitae), Labcorp).

NM_001204.7(BMPR2):c.529+4A>G

Gene: BMPR2 (bone morphogenetic protein receptor type 2; plus strand). Cytogenetic location: 2q33.2.
Variant type: single nucleotide variant.
Coding change: c.529+4A>G on transcript NM_001204.7 (MANE Select); 4 bases into the intron after coding-DNA position 529, A replaced by G.
Molecular consequence: intron variant.
Genome position (GRCh38, 1-based): chr2:202,513,833, A>G. VCF-style: chr2-202513833-A-G. GRCh37 (hg19) VCF-style: chr2-203378556-A-G.
Identifiers: ClinVar variation 1047237 (VCV001047237.7), dbSNP rs893200666, ClinGen allele CA64012085.
Genomic context (GRCh38, chr2:202,513,833, plus strand): 5'-TCTCTGTATTAGCTGTTTTGATAGTTGCCTTATGCTTTGGATACAGAATGTTGACAGGTA[A>G]AAATTACCATTTTTTGTCCTATTGTTTATTAAACATGCAATTTAATCAATTTATTTGCTC-3'